The following is an entry in ClinVar:

ClinVar aggregate classification (germline): Conflicting classifications of pathogenicity. Review status: criteria provided, conflicting classifications (1 of 4 stars). 5 submissions from 5 submitters: Uncertain significance (1); Likely benign (3). 1 of the submissions does not count toward it. Last evaluated 2026-01-21.

Conditions:
Knobloch syndrome (KNO). Also called: Myopia retinal detachment encephalocele; RETINAL DETACHMENT AND OCCIPITAL ENCEPHALOCELE. Identifiers: Orphanet 1571, MedGen C1849409, MONDO:0800166.
COL18A1-related disorder. Also called: COL18A1-related condition; COL18A1-related disorders.

Allele frequency attached by ClinVar (database versions not stated): TOPMed 0.00015; gnomAD 0.00018; gnomAD exomes 0.00029 and 0.00036; 1000 Genomes Project 30x 0.00031; 1000 Genomes Project 0.00040; ESP Exome Variant Server 0.00040; ExAC 0.00059.
gnomAD v4.1: 444 of 1,600,902 alleles (0.028%); highest among the groups gnomAD compares: East Asian, 0.082%; no homozygotes.

Submissions (5):

Labcorp Genetics (formerly Invitae), Labcorp
Classification: Likely benign. Last evaluated: 2026-01-21. Review status: criteria provided, single submitter. Criteria: Invitae Variant Classification Sherloc (09022015). Collection method: clinical testing. Allele origin: germline.

CeGaT Center for Human Genetics Tuebingen
Classification: Likely benign. Last evaluated: 2025-05-01. Review status: criteria provided, single submitter. Criteria: CeGaT Center For Human Genetics Tuebingen Variant Classification Criteria Version 2. Collection method: clinical testing. Allele origin: germline. Affected: yes. Observed: 1 variant allele.
Comment: COL18A1: BP4, BP7

Blueprint Genetics
Classification: Likely benign. Last evaluated: 2024-11-20. Review status: criteria provided, single submitter. Criteria: ACMG Guidelines, 2015. Collection method: clinical testing. Allele origin: germline.

Illumina Laboratory Services, Illumina
Classification: Uncertain significance for Knobloch syndrome 1. Last evaluated: 2018-01-13. Review status: criteria provided, single submitter. Criteria: ICSL Variant Classification Criteria 13 December 2019. Collection method: clinical testing. Allele origin: germline.

PreventionGenetics, part of Exact Sciences
Classification: Likely benign for COL18A1-related condition. Last evaluated: 2019-07-24. Review status: no assertion criteria provided. Collection method: clinical testing. Allele origin: germline. Not counted in ClinVar's aggregate classification.
Comment: This variant is classified as likely benign based on ACMG/AMP sequence variant interpretation guidelines (Richards et al. 2015 PMID: 25741868, with internal and published modifications).

NM_001379500.1(COL18A1):c.714C>T (p.Asp238=)

Gene: COL18A1 (collagen type XVIII alpha 1 chain; plus strand). Cytogenetic location: 21q22.3.
Variant type: single nucleotide variant.
Coding change: c.714C>T on transcript NM_001379500.1 (MANE Select); coding-DNA position 714, C replaced by T.
Protein change: p.Asp238=; no amino-acid change (aspartic acid 238 retained).
Molecular consequence: synonymous variant.
Genome position (GRCh38, 1-based): chr21:45,473,957, C>T. VCF-style: chr21-45473957-C-T. GRCh37 (hg19) VCF-style: chr21-46893871-C-T.
Other names: NM_130445.2:c.714C>T; c.1254C>T, p.Asp418= (NM_030582.4); c.1959C>T, p.Asp653= (NM_130444.3); c.1254C>T (NM_030582.3).
Identifiers: ClinVar variation 340202 (VCV000340202.25), dbSNP rs369721525, ClinGen allele CA10065854.